The following is an entry in ClinVar:

NM_006904.7(PRKDC):c.11198G>A (p.Arg3733Gln)

Gene: PRKDC (protein kinase, DNA-activated, catalytic subunit; minus strand). Cytogenetic location: 8q11.21.
Variant type: single nucleotide variant.
Coding change: c.11198G>A on transcript NM_006904.7 (MANE Select); coding-DNA position 11198, G replaced by A.
Protein change: p.Arg3733Gln; replaces arginine 3733 with glutamine.
Molecular consequence: missense variant.
Genome position (GRCh38, 1-based): chr8:47,782,576, C>T on the plus strand (G>A on the coding strand, the complement: PRKDC is on the minus strand). VCF-style: chr8-47782576-C-T. GRCh37 (hg19) VCF-style: chr8-48695137-C-T.
Other names: c.11198G>A, p.Arg3733Gln (NM_001081640.2); short protein forms R3733Q.
Identifiers: ClinVar variation 2151574 (VCV002151574.4), dbSNP rs1476776479, ClinGen allele CA371130275.

ClinVar aggregate classification (germline): Uncertain significance (1 of 4 stars; one submission).

Conditions:
Severe combined immunodeficiency due to DNA-PKcs deficiency. Also called: IMMUNODEFICIENCY 26 WITH NEUROLOGIC ABNORMALITIES; Immunodeficiency 26 with or without neurologic abnormalities. Identifiers: Orphanet 317425, MedGen C4014833, MONDO:0014423, OMIM 615966.

Allele frequency attached by ClinVar (database versions not stated): gnomAD exomes 0.00001.

Submission:

Labcorp Genetics (formerly Invitae), Labcorp
Classification: Uncertain significance for Severe combined immunodeficiency due to DNA-PKcs deficiency. Last evaluated: 2024-10-16. Review status: criteria provided, single submitter. Criteria: Invitae Variant Classification Sherloc (09022015). Collection method: clinical testing. Allele origin: germline.
Comment: This sequence change replaces arginine, which is basic and polar, with glutamine, which is neutral and polar, at codon 3733 of the PRKDC protein (p.Arg3733Gln). This variant is not present in population databases (gnomAD no frequency). This variant has not been reported in the literature in individuals affected with PRKDC-related conditions. ClinVar contains an entry for this variant (Variation ID: 2151574). Invitae Evidence Modeling of protein sequence and biophysical properties (such as structural, functional, and spatial information, amino acid conservation, physicochemical variation, residue mobility, and thermodynamic stability) indicates that this missense variant is not expected to disrupt PRKDC protein function with a negative predictive value of 80%. In summary, the available evidence is currently insufficient to determine the role of this variant in disease. Therefore, it has been classified as a Variant of Uncertain Significance.